The following continues an entry in ClinVar:

NM_206933.4(USH2A):c.10073G>A (p.Cys3358Tyr)

Gene: USH2A. ClinVar aggregate classification (germline): Pathogenic/Likely pathogenic. Pathogenic (19); Likely pathogenic (11).

Submissions 30 to 36 of 36:

Knight Diagnostic Laboratories, Oregon Health and Sciences University
Classification: Likely pathogenic for Usher syndrome type 2A. Last evaluated: 2016-01-27. Review status: criteria provided, single submitter. Criteria: ACMG Guidelines, 2015. Collection method: clinical testing. Allele origin: germline. Affected: no. Study: CSER-NextGen.
Comment: The c.10073G>A (p.Cys3358Tyr) missense variant in the USH2A gene has been previously reported in several individuals affected with Usher Syndrome or Retinitis Pigmentosa. This allele was observed in 13 cases out of 914 affected alleles (Lenassi et al., 2015) and is significantly higher than the allele frequency in the ExAC database (13/121292). This variant is often seen in trans with other pathogenic variants (Garcia-Garcia et al., 2011; Le Quesne Stabej et al., 2012; Neveling et al., 2012; Lenassi et al., 2015). This c.10073G>A allele has been reported at low frequency, or is absent in other population databases (Exome Sequencing Project [ESP] = 0.058%, 1000 Genomes = NA). Multiple in silico algorithms predict this variant to have a deleterious effect GERP = 5.76; CADD = 22.4; PolyPhen = 1; SIFT = 0). Reputable diagnostic laboratories have reported this variant as either Likely Pathogenic or Pathogenic for either, Retinitis Pigmentosa or Usher Syndrome, Type 2A. Therefore, this collective evidence supports the classification of the c.10073G>A (p.Cys3358Tyr) as a recessive Likely Pathogenic variant for Usher syndrome, type IIA.

Clinical Genetics Laboratory, University Hospital Schleswig-Holstein
Classification: Likely pathogenic for Usher syndrome type 2A. Last evaluated: 2021-08-25. Review status: no assertion criteria provided. Collection method: clinical testing. Allele origin: germline. Affected: yes. Not counted in ClinVar's aggregate classification.

Sharon lab, Hadassah-Hebrew University Medical Center
Classification: Likely pathogenic for Retinitis pigmentosa. Last evaluated: 2019-06-23. Review status: no assertion criteria provided. Collection method: research. Allele origin: inherited. Affected: yes. Not counted in ClinVar's aggregate classification.

Counsyl
Classification: Likely pathogenic for Retinitis pigmentosa 39. Last evaluated: 2016-12-16. Review status: no assertion criteria provided. Collection method: clinical testing. Allele origin: unknown. Not counted in ClinVar's aggregate classification.

Division of Human Genetics, Children's Hospital of Philadelphia
Classification: Likely pathogenic for Usher syndrome type 2A. Last evaluated: 2016-07-19. Review status: no assertion criteria provided. Collection method: research. Allele origin: paternal. Affected: yes. Study: CSER-PediSeq. Not counted in ClinVar's aggregate classification.

NIHR Bioresource Rare Diseases, University of Cambridge
Classification: Likely pathogenic for Retinitis pigmentosa. Last evaluated: 2015-01-01. Review status: no assertion criteria provided. Collection method: research. Allele origin: unknown. Affected: yes. Observed: 6 variant alleles. Not counted in ClinVar's aggregate classification.

Genomics England Pilot Project, Genomics England
Classification: Pathogenic for Retinitis pigmentosa 39. Review status: no assertion criteria provided. Criteria: ACGS Guidelines, 2016. Collection method: clinical testing. Allele origin: germline. Affected: yes. Not counted in ClinVar's aggregate classification.

Literature cited by the submitters: PubMed 22004887 (cited by 12 submitters); PubMed 22135276 (cited by 6 submitters); PubMed 25472526 (cited by 9 submitters); PubMed 28559085 (cited by 3 submitters); PubMed 29953849 (cited by 4 submitters); PubMed 20507924 (cited by 12 submitters); PubMed 36909829 (cited by Ophthalmic Genetics Group, Institute of Molecular and Clinical Ophthalmology Basel); PubMed 25097241 (cited by 9 submitters); PubMed 31589614 (cited by Institute of Human Genetics, Univ. Regensburg, Univ. Regensburg); PubMed 32326409 (cited by Institute of Human Genetics, Univ. Regensburg, Univ. Regensburg); PubMed 31964843 (cited by Institute of Human Genetics, Univ. Regensburg, Univ. Regensburg); PubMed 31980526 (cited by Institute of Human Genetics, Univ. Regensburg, Univ. Regensburg); PubMed 32176120 (cited by Institute of Human Genetics, Univ. Regensburg, Univ. Regensburg); PubMed 33258288 (cited by Institute of Human Genetics, Univ. Regensburg, Univ. Regensburg); PubMed 31456290 (cited by Institute of Human Genetics, Univ. Regensburg, Univ. Regensburg); PubMed 32581362 (cited by Institute of Human Genetics, Univ. Regensburg, Univ. Regensburg); PubMed 32531858 (cited by Institute of Human Genetics, Univ. Regensburg, Univ. Regensburg and Women's Health and Genetics/Laboratory Corporation of America, LabCorp); PubMed 32037395 (cited by Institute of Human Genetics, Univ. Regensburg, Univ. Regensburg); PubMed 33576794 (cited by Institute of Human Genetics, Univ. Regensburg, Univ. Regensburg); PubMed 33737949 (cited by Institute of Human Genetics, Univ. Regensburg, Univ. Regensburg); PubMed 33749171 (cited by Institute of Human Genetics, Univ. Regensburg, Univ. Regensburg); PubMed 34758253 (cited by Institute of Human Genetics, Univ. Regensburg, Univ. Regensburg); PubMed 36011334 (cited by Institute of Human Genetics, Univ. Regensburg, Univ. Regensburg); PubMed 35266249 (cited by Institute of Human Genetics, Univ. Regensburg, Univ. Regensburg); PubMed 36672815 (cited by Institute of Human Genetics, Univ. Regensburg, Univ. Regensburg); PubMed 36819107 (cited by Institute of Human Genetics, Univ. Regensburg, Univ. Regensburg); PubMed 22334370 (cited by 6 submitters); PubMed 25649381 (cited by 9 submitters); PubMed 26667666 (cited by 4 submitters); PubMed 21151602 (cited by 3 submitters); PubMed 34906470 (cited by Broad Center for Mendelian Genomics, Broad Institute of MIT and Harvard); PubMed 25999674 (cited by Laboratory for Molecular Medicine, Mass General Brigham Personalized Medicine); PubMed 28041643 (cited by NIHR Bioresource Rare Diseases, University of Cambridge).